The following is an entry in ClinVar:

NM_001261826.3(AP3D1):c.2756A>C (p.Glu919Ala)

Gene: AP3D1 (adaptor related protein complex 3 subunit delta 1; minus strand). Cytogenetic location: 19p13.3.
Variant type: single nucleotide variant.
Coding change: c.2756A>C on transcript NM_001261826.3 (MANE Select); coding-DNA position 2756, A replaced by C.
Protein change: p.Glu919Ala; replaces glutamic acid 919 with alanine.
Molecular consequence: missense variant. On other transcripts: intron variant (1).
Genome position (GRCh38, 1-based): chr19:2,112,891, T>G on the plus strand (A>C on the coding strand, the complement: AP3D1 is on the minus strand). VCF-style: chr19-2112891-T-G. GRCh37 (hg19) VCF-style: chr19-2112890-T-G.
Other names: c.2720A>C, p.Glu907Ala (NM_001374799.1); c.2602-1063A>C (NM_003938.8); short protein forms E919A, E907A.
Identifiers: ClinVar variation 3709581 (VCV003709581.2).

ClinVar aggregate classification (germline): Uncertain significance (1 of 4 stars; one submission).

gnomAD v4.1: 5 of 1,613,136 alleles (0.00031%); highest among the groups gnomAD compares: African/African-American, 0.004%; no homozygotes.

Submission:

Labcorp Genetics (formerly Invitae), Labcorp
Classification: Uncertain significance. Last evaluated: 2024-03-28. Review status: criteria provided, single submitter. Criteria: Invitae Variant Classification Sherloc (09022015). Collection method: clinical testing. Allele origin: germline.
Comment: This sequence change replaces glutamic acid, which is acidic and polar, with alanine, which is neutral and non-polar, at codon 919 of the AP3D1 protein (p.Glu919Ala). This variant is present in population databases (no rsID available, gnomAD 0.01%). This variant has not been reported in the literature in individuals affected with AP3D1-related conditions. An algorithm developed to predict the effect of missense changes on protein structure and function (PolyPhen-2) suggests that this variant is likely to be tolerated. In summary, the available evidence is currently insufficient to determine the role of this variant in disease. Therefore, it has been classified as a Variant of Uncertain Significance.